The following is an entry in ClinVar:

NM_000484.4(APP):c.464A>G (p.Lys155Arg)

Gene: APP (amyloid beta precursor protein; minus strand). Cytogenetic location: 21q21.3.
Variant type: single nucleotide variant.
Coding change: c.464A>G on transcript NM_000484.4 (MANE Select); coding-DNA position 464, A replaced by G.
Protein change: p.Lys155Arg; replaces lysine 155 with arginine.
Molecular consequence: missense variant.
Genome position (GRCh38, 1-based): chr21:26,053,240, T>C on the plus strand (A>G on the coding strand, the complement: APP is on the minus strand). VCF-style: chr21-26053240-T-C. GRCh37 (hg19) VCF-style: chr21-27425556-T-C.
Other names: c.464A>G, p.Lys155Arg (NM_201414.3, NM_001204301.2, NM_001204302.2 and 3 more transcripts); c.449A>G, p.Lys150Arg (NM_001136016.3); c.296A>G, p.Lys99Arg (NM_001136129.3, NM_001136130.3); c.359A>G, p.Lys120Arg (NM_001136131.3); short protein forms K120R, K150R, K155R, K99R.
Identifiers: ClinVar variation 1695025 (VCV001695025.31), dbSNP rs2045907801, ClinGen allele CA409863130.

ClinVar aggregate classification (germline): Uncertain significance (1 of 4 stars; one submission).

Submission:

CeGaT Center for Human Genetics Tuebingen
Classification: Uncertain significance. Last evaluated: 2022-04-01. Review status: criteria provided, single submitter. Criteria: CeGaT Center For Human Genetics Tuebingen Variant Classification Criteria Version 2. Collection method: clinical testing. Allele origin: germline. Affected: yes. Observed: 1 variant allele.
Comment: APP: PM2, PP4